The following is an entry in ClinVar:

ClinVar aggregate classification (germline): Benign/Likely benign. Review status: criteria provided, multiple submitters, no conflicts (2 of 4 stars). 4 submissions from 4 submitters: Benign (2); Likely benign (2). Last evaluated 2026-01-13.

Conditions:
Xanthinuria type II. Also called: Xanthine dehydrogenase and aldehyde oxidase combined deficiency of; XDH and AOX dual deficiency. Identifiers: Orphanet 3467, Orphanet 93602, MedGen C1863688, MONDO:0011346, OMIM 603592.
Hereditary xanthinuria type 1 (XAN1). Identifiers: Orphanet 3467, Orphanet 93601, MedGen C0268118, MONDO:0010209, OMIM 278300.

Allele frequency attached by ClinVar (database versions not stated): gnomAD exomes 0.00043 and 0.00117; ExAC 0.00118; 1000 Genomes Project 30x 0.00281; 1000 Genomes Project 0.00339; ESP Exome Variant Server 0.00400; gnomAD 0.00455 and 0.00484; TOPMed 0.00505.
gnomAD v4.1: 1,357 of 1,613,726 alleles (0.084%); highest among the groups gnomAD compares: African/African-American, 1.5%; 9 homozygotes.

Submissions (4):

Labcorp Genetics (formerly Invitae), Labcorp
Classification: Benign for Xanthinuria type II. Last evaluated: 2026-01-13. Review status: criteria provided, single submitter. Criteria: Invitae Variant Classification Sherloc (09022015). Collection method: clinical testing. Allele origin: germline.

Blueprint Genetics
Classification: Likely benign. Last evaluated: 2024-11-13. Review status: criteria provided, single submitter. Criteria: ACMG Guidelines, 2015. Collection method: clinical testing. Allele origin: germline.

Genome-Nilou Lab
Classification: Benign for Hereditary xanthinuria type 1. Last evaluated: 2021-12-05. Review status: criteria provided, single submitter. Criteria: ACMG Guidelines, 2015. Collection method: clinical testing. Allele origin: germline. Affected: no.

Illumina Laboratory Services, Illumina
Classification: Likely benign for Hereditary xanthinuria type 1. Last evaluated: 2018-01-13. Review status: criteria provided, single submitter. Criteria: ICSL Variant Classification Criteria 13 December 2019. Collection method: clinical testing. Allele origin: germline.
Comment: This variant was observed in the ICSL laboratory as part of a predisposition screen in an ostensibly healthy population. It had not been previously curated by ICSL or reported in the Human Gene Mutation Database (HGMD: prior to June 1st, 2018), and was therefore a candidate for classification through an automated scoring system. Utilizing variant allele frequency, disease prevalence and penetrance estimates, and inheritance mode, an automated score was calculated to assess if this variant is too frequent to cause the disease. Based on the score and internal cut-off values, a variant classified as likely benign is not then subjected to further curation. The score for this variant resulted in a classification of likely benign for this disease.

NM_000379.4(XDH):c.3951+14C>G

Gene: XDH (xanthine dehydrogenase; minus strand). Cytogenetic location: 2p23.1.
Variant type: single nucleotide variant.
Coding change: c.3951+14C>G on transcript NM_000379.4 (MANE Select); 14 bases into the intron after coding-DNA position 3951, C replaced by G.
Molecular consequence: intron variant.
Genome position (GRCh38, 1-based): chr2:31,337,627, G>C on the plus strand (C>G on the coding strand, the complement: XDH is on the minus strand). VCF-style: chr2-31337627-G-C. GRCh37 (hg19) VCF-style: chr2-31560493-G-C.
Identifiers: ClinVar variation 897349 (VCV000897349.13), dbSNP rs201055814, ClinGen allele CA1598204.